The following is an entry in ClinVar:

NM_000400.4(ERCC2):c.685G>A (p.Ala229Thr)

Gene: ERCC2 (ERCC excision repair 2, TFIIH core complex helicase subunit; minus strand). Cytogenetic location: 19q13.32.
Variant type: single nucleotide variant.
Coding change: c.685G>A on transcript NM_000400.4 (MANE Select); coding-DNA position 685, G replaced by A.
Protein change: p.Ala229Thr; replaces alanine 229 with threonine.
Molecular consequence: missense variant.
Genome position (GRCh38, 1-based): chr19:45,364,457, C>T on the plus strand (G>A on the coding strand, the complement: ERCC2 is on the minus strand). VCF-style: chr19-45364457-C-T. GRCh37 (hg19) VCF-style: chr19-45867715-C-T.
Other names: c.613G>A, p.Ala205Thr (NM_001130867.2); short protein forms A205T, A229T.
Identifiers: ClinVar variation 1755834 (VCV001755834.2), dbSNP rs1440197696, ClinGen allele CA406374339.

ClinVar aggregate classification (germline): Uncertain significance (1 of 4 stars; one submission).

Conditions:
Inborn genetic diseases. Identifiers: MedGen C0950123, MeSH D030342.

Submission:

Ambry Genetics
Classification: Uncertain significance for Inborn genetic diseases. Last evaluated: 2021-08-21. Review status: criteria provided, single submitter. Criteria: Ambry Variant Classification Scheme 2023. Collection method: clinical testing. Allele origin: germline.
Comment: The p.A229T variant (also known as c.685G>A), located in coding exon 8 of the ERCC2 gene, results from a G to A substitution at nucleotide position 685. The alanine at codon 229 is replaced by threonine, an amino acid with similar properties. This amino acid position is conserved. In addition, this alteration is predicted to be tolerated by in silico analysis. Since supporting evidence is limited at this time, the clinical significance of this alteration remains unclear.